The following is an entry in ClinVar:

NM_138694.4(PKHD1):c.8555-9T>C

Gene: PKHD1 (PKHD1 ciliary IPT domain containing fibrocystin/polyductin; minus strand). Cytogenetic location: 6p12.3.
Variant type: single nucleotide variant.
Coding change: c.8555-9T>C on transcript NM_138694.4 (MANE Select); 9 bases into the intron before coding-DNA position 8555, T replaced by C.
Molecular consequence: intron variant.
Genome position (GRCh38, 1-based): chr6:51,772,798, A>G on the plus strand (T>C on the coding strand, the complement: PKHD1 is on the minus strand). VCF-style: chr6-51772798-A-G. GRCh37 (hg19) VCF-style: chr6-51637596-A-G.
Other names: c.8555-9T>C (NM_170724.3).
Identifiers: ClinVar variation 3049834 (VCV003049834.2), dbSNP rs2534282426, ClinGen allele CA2679079397.
Genomic context (GRCh38, chr6:51,772,798, plus strand): 5'-GTCCAGGAGTTCTTAGGATAAGCACTGTAAAGATGAACTTTCCCATAAACCCCTGAAAAT[A>G]AAAGGAGTAACAGTTGGATAGAAAAATCCTTCAGAGGAATGAAAGCCAGGTAAGTAAAAG-3'

ClinVar aggregate classification (germline): Likely benign (0 of 4 stars; one submission).

Conditions:
PKHD1-related disorder. Also called: PKHD1-related condition.

Allele frequency attached by ClinVar (database versions not stated): gnomAD exomes below 0.00001.
gnomAD v4.1: 3 of 1,458,820 alleles (0.00021%); highest among the groups gnomAD compares: Non-Finnish European, 0.00029%; no homozygotes.

Submission:

PreventionGenetics, part of Exact Sciences
Classification: Likely benign for PKHD1-related condition. Last evaluated: 2023-06-13. Review status: no assertion criteria provided. Collection method: clinical testing. Allele origin: germline.
Comment: This variant is classified as likely benign based on ACMG/AMP sequence variant interpretation guidelines (Richards et al. 2015 PMID: 25741868, with internal and published modifications).